The following is an entry in ClinVar:

NM_138694.4(PKHD1):c.2811G>A (p.Trp937Ter)

Gene: PKHD1 (PKHD1 ciliary IPT domain containing fibrocystin/polyductin; minus strand). Cytogenetic location: 6p12.2.
Variant type: single nucleotide variant.
Coding change: c.2811G>A on transcript NM_138694.4 (MANE Select); coding-DNA position 2811, G replaced by A.
Protein change: p.Trp937Ter; replaces tryptophan 937 with a stop codon.
Molecular consequence: nonsense.
Genome position (GRCh38, 1-based): chr6:52,043,635, C>T on the plus strand (G>A on the coding strand, the complement: PKHD1 is on the minus strand). VCF-style: chr6-52043635-C-T. GRCh37 (hg19) VCF-style: chr6-51908433-C-T.
Other names: c.2811G>A, p.Trp937Ter (NM_170724.3); short protein forms W937*.
Identifiers: ClinVar variation 458592 (VCV000458592.33), dbSNP rs1344820986, ClinGen allele CA364442529.

ClinVar aggregate classification (germline): Pathogenic/Likely pathogenic. Review status: criteria provided, multiple submitters, no conflicts (2 of 4 stars). 10 submissions from 9 submitters: Pathogenic (6); Likely pathogenic (2). 2 of the submissions do not count toward it. Last evaluated 2025-10-29.

Conditions:
Polycystic kidney disease 4 (PKD4). Also called: PKD3; POLYCYSTIC KIDNEY DISEASE 4 WITH OR WITHOUT POLYCYSTIC LIVER DISEASE; POLYCYSTIC KIDNEY AND HEPATIC DISEASE 1; POLYCYSTIC KIDNEY DISEASE, INFANTILE, TYPE I; Autosomal Recessive Polycystic Kidney Disease – PKHD1. Identifiers: MedGen C4540575, MONDO:0033004, OMIM 263200.
PKHD1-related disorder. Also called: PKHD1-related condition.
Autosomal recessive polycystic kidney disease (ARPKD). Also called: AR polycystic kidney disease. Identifiers: Orphanet 731, Orphanet 8378, MedGen C0085548, MeSH D017044, MONDO:0009889.

Allele frequency attached by ClinVar (database versions not stated): gnomAD exomes below 0.00001; TOPMed below 0.00001; gnomAD 0.00001.
gnomAD v4.1: 3 of 1,609,148 alleles (0.00019%); highest among the groups gnomAD compares: Non-Finnish European, 0.00026%; no homozygotes.

Submissions (10):

PreventionGenetics, part of Exact Sciences
Classification: Pathogenic for PKHD1-related condition. Last evaluated: 2025-10-29. Review status: criteria provided, single submitter. Criteria: ACMG Guidelines, 2015. Collection method: clinical testing. Allele origin: germline.
Comment: The PKHD1 c.2811G>A variant is predicted to result in premature protein termination (p.Trp937*). This variant has been reported to be pathogenic for autosomal recessive polycystic kidney disease (ARPKD) (see for example, Supplementary Table 1, Bullich et al. 2018. PubMed ID: 29801666). This variant has not been reported in a large population database (gnomad), indicating this variant is rare. Nonsense variants in PKHD1 are expected to be pathogenic. This variant is interpreted as pathogenic.

Women's Health and Genetics/Laboratory Corporation of America, LabCorp
Classification: Pathogenic for Autosomal recessive polycystic kidney disease. Last evaluated: 2025-10-03. Review status: criteria provided, single submitter. Criteria: LabCorp Variant Classification Summary - May 2015. Collection method: clinical testing. Allele origin: germline.
Comment: Variant summary: PKHD1 c.2811G>A (p.Trp937X) results in a premature termination codon, predicted to cause absence of the protein due to nonsense mediated decay, which is a commonly known mechanism for disease. The variant was absent in 251102 control chromosomes. c.2811G>A has been observed in at-least one individual affected with features of Polycystic Kidney And Hepatic Disease (example, Bullich_2018). To our knowledge, no experimental evidence demonstrating an impact on protein function has been reported. The following publication has been ascertained in the context of this evaluation (PMID: 29801666). ClinVar contains an entry for this variant (Variation ID: 458592). Based on the evidence outlined above, the variant was classified as pathogenic.

Natera, Inc.
Classification: Pathogenic for Autosomal recessive polycystic kidney disease. Last evaluated: 2025-07-27. Review status: criteria provided, single submitter. Criteria: Natera Variant Classification Schema (03/2026). Collection method: clinical testing. Allele origin: germline.
Comment: The c.2811G>A variant in PKHD1 is a nonsense variant predicted to introduce a stop codon at amino acid 937. This variant is expected to result in nonsense mediated decay, truncation, or a dysfunctional protein product. This variant is rare in the general population with a frequency below the threshold expected for the associated phenotype(s). This variant has been observed in one or more individuals affected with the associated recessive disease, as either homozygous or compound heterozygous with a second variant (PMID: 24162162). Given the available evidence, this variant is classified as Pathogenic.

Labcorp Genetics (formerly Invitae), Labcorp
Classification: Pathogenic for Autosomal recessive polycystic kidney disease. Last evaluated: 2025-05-11. Review status: criteria provided, single submitter. Criteria: Invitae Variant Classification Sherloc (09022015). Collection method: clinical testing. Allele origin: germline.
Comment: This sequence change creates a premature translational stop signal (p.Trp937*) in the PKHD1 gene. It is expected to result in an absent or disrupted protein product. Loss-of-function variants in PKHD1 are known to be pathogenic (PMID: 19940839). This variant is not present in population databases (gnomAD no frequency). This premature translational stop signal has been observed in individual(s) with clinical features of polycystic kidney disease (internal data). ClinVar contains an entry for this variant (Variation ID: 458592). For these reasons, this variant has been classified as Pathogenic.

Genetic Services Laboratory, University of Chicago
Classification: Likely pathogenic. Last evaluated: 2025-04-08. Review status: criteria provided, single submitter. Criteria: ACMG Guidelines, 2015. Collection method: clinical testing. Allele origin: germline.
Comment: The c.2811G>A variant: Results in the creation of a premature stop codon at amino acid position 937, p.Trp937*. Is predicted to result in an abnormal transcript, which may be degraded, or may lead to the production of a truncated PKHD1 protein with potentially abnormal function. o;Has been previously described in individuals with PKHD1-related disorders (PMID: 29801666, 31589614). Is reported in the gnomAD v4 database with a frequency of 0.0002% in the non-Finnish European subpopulation (dbSNP rs1344820986). ClinVar contains an entry for this variant (Variation ID: 458592). Collectively this evidence indicates that this variant is likely pathogenic; however functional studies have not been performed to prove this conclusively.

Greenwood Genetic Center Diagnostic Laboratories, Greenwood Genetic Center
Classification: Likely pathogenic for Polycystic kidney disease 4. Last evaluated: 2024-08-29. Review status: criteria provided, single submitter. Criteria: ACMG Guidelines, 2015. Collection method: clinical testing. Allele origin: germline. Affected: yes.
Comment: PVS1, PM2

Fulgent Genetics
Classification: Pathogenic for Polycystic kidney disease 4. Last evaluated: 2022-01-17. Review status: criteria provided, single submitter. Criteria: ACMG Guidelines, 2015. Collection method: clinical testing. Allele origin: unknown.

Revvity Omics, Revvity
Classification: Pathogenic for Polycystic kidney disease 4. Last evaluated: 2021-01-14. Review status: criteria provided, single submitter. Criteria: ACMG Guidelines, 2015. Collection method: clinical testing. Allele origin: germline.

Counsyl
Classification: Likely pathogenic for Polycystic kidney disease 4. Last evaluated: 2014-01-02. Review status: no assertion criteria provided. Collection method: clinical testing. Allele origin: unknown. Not counted in ClinVar's aggregate classification.

Fulgent Genetics
Classification: Pathogenic for Polycystic kidney disease 4. Last evaluated: 2021-06-30. Review status: flagged submission. Criteria: ACMG Guidelines, 2015. Collection method: clinical testing. Allele origin: unknown. Not counted in ClinVar's aggregate classification.
Comment: This variant has been detected in individual(s) who were sent for testing of Renasight - kidney gene panel.
ClinVar note: Reason: This record appears to be redundant with a more recent record from the same submitter.
ClinVar note: Notes: SCV001752576 appears to be redundant with SCV000894383.

Literature cited by the submitters: PubMed 29801666 (cited by Women's Health and Genetics/Laboratory Corporation of America, LabCorp); PubMed 24162162 (cited by Natera, Inc.); PubMed 19940839 (cited by Labcorp Genetics (formerly Invitae), Labcorp).